The following is an entry in ClinVar:

ClinVar aggregate classification (germline): Pathogenic (1 of 4 stars; one submission).

Conditions:
Kabuki syndrome. Also called: NIIKAWA-KUROKI SYNDROME; Kabuki make-up syndrome. Identifiers: Orphanet 2322, MedGen C0796004, MONDO:0016512.

Submission:

Labcorp Genetics (formerly Invitae), Labcorp
Classification: Pathogenic for Kabuki syndrome. Last evaluated: 2023-07-28. Review status: criteria provided, single submitter. Criteria: Invitae Variant Classification Sherloc (09022015). Collection method: clinical testing. Allele origin: germline.
Comment: This variant is not present in population databases (gnomAD no frequency). This sequence change creates a premature translational stop signal (p.Ser3239Tyrfs*3) in the KMT2D gene. It is expected to result in an absent or disrupted protein product. Loss-of-function variants in KMT2D are known to be pathogenic (PMID: 22126750). This variant has not been reported in the literature in individuals affected with KMT2D-related conditions. For these reasons, this variant has been classified as Pathogenic.

Literature cited by the submitters: PubMed 22126750.

NM_003482.4(KMT2D):c.9716del (p.Ser3239fs)

Gene: KMT2D (lysine methyltransferase 2D; minus strand). Cytogenetic location: 12q13.12.
Variant type: Deletion.
Coding change: c.9716del on transcript NM_003482.4 (MANE Select); coding-DNA position 9716, one base deleted (C; older notation c.9716delC).
Protein change: p.Ser3239fs; shifts the reading frame from serine 3239.
Molecular consequence: frameshift variant.
Genome position (GRCh38, 1-based): chr12:49,037,640, G deleted on the plus strand (C on the coding strand, the reverse complement: KMT2D is on the minus strand). VCF-style (leftmost placement, unchanged base first): chr12-49037639-TG-T. GRCh37 (hg19) VCF-style: chr12-49431422-TG-T.
Other names: short protein forms S3239fs.
Identifiers: ClinVar variation 2747827 (VCV002747827.3), dbSNP rs2498381897, ClinGen allele CA2697559191.